The following is an entry in ClinVar:

NM_198503.5(KCNT2):c.1034G>A (p.Arg345Gln)

Gene: KCNT2 (potassium sodium-activated channel subfamily T member 2; minus strand). Cytogenetic location: 1q31.3.
Variant type: single nucleotide variant.
Coding change: c.1034G>A on transcript NM_198503.5 (MANE Select); coding-DNA position 1034, G replaced by A.
Protein change: p.Arg345Gln; replaces arginine 345 with glutamine.
Molecular consequence: missense variant. On other transcripts: non-coding transcript variant (2).
Genome position (GRCh38, 1-based): chr1:196,425,939, C>T on the plus strand (G>A on the coding strand, the complement: KCNT2 is on the minus strand). VCF-style: chr1-196425939-C-T. GRCh37 (hg19) VCF-style: chr1-196395069-C-T.
Other names: c.1034G>A, p.Arg345Gln (NM_001287819.3, NM_001287820.3); short protein forms R345Q.
Identifiers: ClinVar variation 1683757 (VCV001683757.2), dbSNP rs543938394, ClinGen allele CA1304566.
Genomic context (GRCh38, chr1:196,425,939, plus strand): 5'-AGGGCTGAACCTTGAAGGTAGATAACTCGTTGGGACCACATTGGAATCTGCAGTACCCTT[C>T]GAACCTGTACATCCATTTCAGTAGGACACAAAATCACCACATAATAATCCTATTCAAAAC-3'
Protein context (NP_940905.2, residues 335-355): LCPTEMDVQV[Arg345Gln]RVLQIPMWSQ

ClinVar aggregate classification (germline): Uncertain significance (1 of 4 stars; one submission).

Conditions:
Developmental and epileptic encephalopathy, 57. Also called: EPILEPTIC ENCEPHALOPATHY, EARLY INFANTILE, 57. Identifiers: MedGen C4540411, MONDO:0033366, OMIM 617771.

Allele frequency attached by ClinVar (database versions not stated): gnomAD 0.00001; 1000 Genomes Project 30x 0.00016; 1000 Genomes Project 0.00020.
gnomAD v4.1: 2 of 1,612,070 alleles (0.00012%); highest among the groups gnomAD compares: Admixed American, 0.0017%; no homozygotes.

Submission:

Laboratorio de Genetica e Diagnostico Molecular, Hospital Israelita Albert Einstein
Classification: Uncertain significance for Developmental and epileptic encephalopathy, 57. Last evaluated: 2022-01-15. Review status: criteria provided, single submitter. Criteria: ACMG Guidelines, 2015. Collection method: clinical testing. Allele origin: germline. Affected: yes.
Comment: ACMG classification criteria: PM2 moderate, PP2 supporting